The following is an entry in ClinVar:

ClinVar aggregate classification (germline): Likely pathogenic (1 of 4 stars; one submission).

Conditions:
Autosomal dominant nonsyndromic hearing loss 15 (DFNA15). Also called: DEAFNESS, AUTOSOMAL DOMINANT 52; Autosomal dominant nonsyndromic hearing loss 52. Identifiers: Orphanet 90635, MedGen C1865366, MONDO:0011226, OMIM 602459.

Submission:

Institute of Rare Diseases, West China Hospital, Sichuan University
Classification: Likely pathogenic for Autosomal dominant nonsyndromic hearing loss 15. Last evaluated: 2025-01-09. Review status: criteria provided, single submitter. Criteria: ClinGen HL ACMG Specifications v1. Collection method: research. Allele origin: germline. Affected: yes.
Comment: PVS1;PM2_Supporting

NM_002700.3(POU4F3):c.413C>A (p.Ser138Ter)

Genes: POU4F3 (POU class 4 homeobox 3; plus strand), RBM27-POU4F3 (RBM27-POU4F3 readthrough; plus strand). Cytogenetic location: 5q32.
Variant type: single nucleotide variant.
Coding change: c.413C>A on transcript NM_002700.3 (MANE Select); coding-DNA position 413, C replaced by A.
Protein change: p.Ser138Ter; replaces serine 138 with a stop codon.
Molecular consequence: nonsense. On other transcripts: 3 prime UTR variant (1).
Genome position (GRCh38, 1-based): chr5:146,339,840, C>A. VCF-style: chr5-146339840-C-A. GRCh37 (hg19) VCF-style: chr5-145719403-C-A.
Other names: c.*282C>A (NM_001414499.1); short protein forms S138*.
Identifiers: ClinVar variation 3601694 (VCV003601694.1).